The following is an entry in ClinVar:

ClinVar aggregate classification (germline): Conflicting classifications of pathogenicity. Review status: criteria provided, conflicting classifications (1 of 4 stars). 7 submissions from 7 submitters: Uncertain significance (2); Likely benign (5). Last evaluated 2025-03-04.

Conditions:
Hereditary cancer-predisposing syndrome. Also called: Tumor predisposition; Hereditary Cancer Syndrome; Neoplastic Syndromes, Hereditary; Hereditary neoplastic syndrome. Identifiers: Orphanet 140162, MedGen C0027672, MeSH D009386, MONDO:0015356.
Familial cancer of breast. Also called: hereditary breast carcinoma; Hereditary breast cancer; BREAST CANCER, FAMILIAL. Identifiers: Orphanet 227535, MedGen C0346153, MONDO:0016419, OMIM 114480. Disease mechanism: loss of function.
Ataxia-telangiectasia syndrome (AT). Also called: Cerebello-oculocutaneous telangiectasia; Immunodeficiency with ataxia telangiectasia; Ataxia-telangiectasia; Ataxia-telangiectasia, complementation group D; AT, COMPLEMENTATION GROUP C; ATAXIA-TELANGIECTASIA, COMPLEMENTATION GROUP A. Identifiers: Orphanet 100, MedGen C0004135, MONDO:0008840, OMIM 208900.

Allele frequency attached by ClinVar (database versions not stated): gnomAD exomes 0.00001; ExAC 0.00002.
gnomAD v4.1: 10 of 1,598,374 alleles (0.00063%); highest among the groups gnomAD compares: Non-Finnish European, 0.00077%; no homozygotes.

Submissions (7):

Center for Genomic Medicine, Rigshospitalet, Copenhagen University Hospital
Classification: Uncertain significance. Last evaluated: 2025-03-04. Review status: criteria provided, single submitter. Criteria: ACMG Guidelines, 2015. Collection method: clinical testing. Allele origin: germline.

Labcorp Genetics (formerly Invitae), Labcorp
Classification: Likely benign for Ataxia-telangiectasia syndrome. Last evaluated: 2024-11-26. Review status: criteria provided, single submitter. Criteria: Invitae Variant Classification Sherloc (09022015). Collection method: clinical testing. Allele origin: germline.

Myriad Genetics, Inc.
Classification: Likely benign for Familial cancer of breast. Last evaluated: 2024-05-17. Review status: criteria provided, single submitter. Criteria: Myriad Autosomal Dominant, Autosomal Recessive and X-Linked Classification Criteria (2023). Collection method: clinical testing. Allele origin: unknown.
Comment: This variant is considered likely benign. This variant is intronic and is not expected to impact mRNA splicing.

Blueprint Genetics
Classification: Likely benign. Last evaluated: 2021-09-20. Review status: criteria provided, single submitter. Criteria: ACMG Guidelines, 2015. Collection method: clinical testing. Allele origin: germline.

GeneDx
Classification: Likely benign. Last evaluated: 2018-04-10. Review status: criteria provided, single submitter. Criteria: GeneDx Variant Classification (06012015). Collection method: clinical testing. Allele origin: germline. Affected: yes.
Comment: This variant is considered likely benign or benign based on one or more of the following criteria: it is a conservative change, it occurs at a poorly conserved position in the protein, it is predicted to be benign by multiple in silico algorithms, and/or has population frequency not consistent with disease.

Color Diagnostics, LLC DBA Color Health
Classification: Likely benign for Hereditary cancer-predisposing syndrome. Last evaluated: 2016-11-28. Review status: criteria provided, single submitter. Criteria: ACMG Guidelines, 2015. Collection method: clinical testing. Allele origin: germline.

Ambry Genetics
Classification: Uncertain significance for Hereditary cancer-predisposing syndrome. Last evaluated: 2015-06-08. Review status: criteria provided, single submitter. Criteria: Ambry Variant Classification Scheme 2023. Collection method: clinical testing. Allele origin: germline.
Comment: The c.4237-8T>C intronic variant results from a T to C substitution 8 nucleotides upstream from coding exon 28 in the ATM gene. This variant was not reported in population based cohorts in the following databases: Database of Single Nucleotide Polymorphisms (dbSNP), NHLBI Exome Sequencing Project (ESP), and 1000 Genomes Project. In the ESP, this variant was not observed in 6469 samples (12938 alleles) with coverage at this position. To date, this alteration has been detected with an allele frequency of approximately 0.002% (greater than 66000 alleles tested) in our clinical cohort. This nucleotide position is well conserved in available vertebrate species. Since supporting evidence is limited at this time, the clinical significance of c.4237-8T>C remains unclear.

NM_000051.4(ATM):c.4237-8T>C

Gene: ATM (ATM serine/threonine kinase; plus strand). Cytogenetic location: 11q22.3.
Variant type: single nucleotide variant.
Coding change: c.4237-8T>C on transcript NM_000051.4 (MANE Select); 8 bases into the intron before coding-DNA position 4237, T replaced by C.
Molecular consequence: intron variant.
Genome position (GRCh38, 1-based): chr11:108,289,594, T>C. VCF-style: chr11-108289594-T-C. GRCh37 (hg19) VCF-style: chr11-108160321-T-C.
Other names: c.4237-8T>C (NM_001351834.2).
Identifiers: ClinVar variation 490565 (VCV000490565.16), dbSNP rs750427647, ClinGen allele CA6265428.
Genomic context (GRCh38, chr11:108,289,594, plus strand): 5'-ATAAAGTGTATTTATTGTAGCCGAGTATCTAATTAAACAAGTTTTTACTAAATCTGTTTA[T>C]TTTCTAGGATTCCTATCAGAAAATTCTTCTTGCCATATGTGAGCAAGCAGCTGAAACAAA-3'